The following is an entry in ClinVar:

NM_000262.3(NAGA):c.1208T>C (p.Ile403Thr)

Gene: NAGA (alpha-N-acetylgalactosaminidase; minus strand). Cytogenetic location: 22q13.2.
Variant type: single nucleotide variant.
Coding change: c.1208T>C on transcript NM_000262.3 (MANE Select); coding-DNA position 1208, T replaced by C.
Protein change: p.Ile403Thr; replaces isoleucine 403 with threonine.
Molecular consequence: missense variant.
Genome position (GRCh38, 1-based): chr22:42,060,307, A>G on the plus strand (T>C on the coding strand, the complement: NAGA is on the minus strand). VCF-style: chr22-42060307-A-G. GRCh37 (hg19) VCF-style: chr22-42456311-A-G.
Other names: c.1208T>C, p.Ile403Thr (NM_001362848.1, NM_001362850.1); short protein forms I403T.
Identifiers: ClinVar variation 2154788 (VCV002154788.1), dbSNP rs995869251, ClinGen allele CA324649632.

ClinVar aggregate classification (germline): Uncertain significance (1 of 4 stars; one submission).

Conditions:
Alpha-N-acetylgalactosaminidase deficiency type 1. Also called: SCHINDLER DISEASE, TYPE I; ALPHA-N-ACETYLGALACTOSAMINIDASE DEFICIENCY, TYPE I; NAGA DEFICIENCY, TYPE I; NEUROAXONAL DYSTROPHY, SCHINDLER TYPE. Identifiers: Orphanet 3137, Orphanet 79279, Orphanet 79281, MedGen C1836544, MONDO:0012221, OMIM 609241.

Allele frequency attached by ClinVar (database versions not stated): TOPMed 0.00001.
gnomAD v4.1: 3 of 1,613,362 alleles (0.00019%); no homozygotes.

Submission:

Labcorp Genetics (formerly Invitae), Labcorp
Classification: Uncertain significance for Alpha-N-acetylgalactosaminidase deficiency type 1. Last evaluated: 2022-07-27. Review status: criteria provided, single submitter. Criteria: Invitae Variant Classification Sherloc (09022015). Collection method: clinical testing. Allele origin: germline.
Comment: This sequence change replaces isoleucine, which is neutral and non-polar, with threonine, which is neutral and polar, at codon 403 of the NAGA protein (p.Ile403Thr). This variant is present in population databases (no rsID available, gnomAD 0.003%). This variant has not been reported in the literature in individuals affected with NAGA-related conditions. Algorithms developed to predict the effect of missense changes on protein structure and function output the following: SIFT: "Tolerated"; PolyPhen-2: "Benign"; Align-GVGD: "Class C0". The threonine amino acid residue is found in multiple mammalian species, which suggests that this missense change does not adversely affect protein function. In summary, the available evidence is currently insufficient to determine the role of this variant in disease. Therefore, it has been classified as a Variant of Uncertain Significance.